The following is an entry in ClinVar:

NM_001348800.3(ZBTB20):c.11G>A (p.Arg4Gln)

Genes: ZBTB20 (zinc finger and BTB domain containing 20; minus strand), ZBTB20-AS1 (ZBTB20 antisense RNA 1; plus strand). Cytogenetic location: 3q13.31.
Variant type: single nucleotide variant.
Coding change: c.11G>A on transcript NM_001348800.3 (MANE Select); coding-DNA position 11, G replaced by A.
Protein change: p.Arg4Gln; replaces arginine 4 with glutamine.
Molecular consequence: missense variant. On other transcripts: intron variant (12).
Genome position (GRCh38, 1-based): chr3:114,380,777, C>T on the plus strand (G>A on the coding strand, the complement: ZBTB20 is on the minus strand). VCF-style: chr3-114380777-C-T. GRCh37 (hg19) VCF-style: chr3-114099624-C-T.
Other names: c.11G>A, p.Arg4Gln (NM_001164342.2, NM_001348803.3, NM_001393393.1 and 1 more transcripts); c.-208-373G>A (NM_015642.7, NM_001348801.3, NM_001348802.3 and 9 more transcripts); short protein forms R4Q.
Identifiers: ClinVar variation 2070101 (VCV002070101.6), dbSNP rs534728172, ClinGen allele CA2551483.
Genomic context (GRCh38, chr3:114,380,777, plus strand): 5'-TCCCTCTTCCCCCCTTAGGAGTTTTAACATGGTCTGGAAAAATACTAGTGGAAGTTTTAC[C>T]GTTCTAGCATTTGTCAGGAAGCTTAGAGACAGGACTCGTGGAGTAATGGGAGGAGCACTG-3'
Protein context (NP_001335729.1, residues 1-14): MLE[Arg4Gln]KKPKTAENQK

ClinVar aggregate classification (germline): Uncertain significance. Review status: criteria provided, single submitter (1 of 4 stars). 2 submissions from 2 submitters: Uncertain significance (1). 1 of the submissions does not count toward it. Last evaluated 2025-02-10.

Conditions:
ZBTB20-related disorder. Also called: ZBTB20-related condition.

Allele frequency attached by ClinVar (database versions not stated): TOPMed 0.00003; gnomAD 0.00007; 1000 Genomes Project 30x 0.00109; 1000 Genomes Project 0.00140.
gnomAD v4.1: 35 of 1,509,584 alleles (0.0023%); highest among the groups gnomAD compares: East Asian, 0.075%; no homozygotes.

Submissions (2):

Labcorp Genetics (formerly Invitae), Labcorp
Classification: Uncertain significance. Last evaluated: 2025-02-10. Review status: criteria provided, single submitter. Criteria: Invitae Variant Classification Sherloc (09022015). Collection method: clinical testing. Allele origin: germline.
Comment: This sequence change replaces arginine, which is basic and polar, with glutamine, which is neutral and polar, at codon 4 of the ZBTB20 protein (p.Arg4Gln). The frequency data for this variant in the population databases is considered unreliable, as metrics indicate poor data quality at this position in the gnomAD database. This variant has not been reported in the literature in individuals affected with ZBTB20-related conditions. ClinVar contains an entry for this variant (Variation ID: 2070101). Invitae Evidence Modeling of protein sequence and biophysical properties (such as structural, functional, and spatial information, amino acid conservation, physicochemical variation, residue mobility, and thermodynamic stability) indicates that this missense variant is not expected to disrupt ZBTB20 protein function with a negative predictive value of 95%. Algorithms developed to predict the effect of sequence changes on RNA splicing suggest that this variant may disrupt the consensus splice site. In summary, the available evidence is currently insufficient to determine the role of this variant in disease. Therefore, it has been classified as a Variant of Uncertain Significance.

PreventionGenetics, part of Exact Sciences
Classification: Likely benign for ZBTB20-related condition. Last evaluated: 2023-04-12. Review status: no assertion criteria provided. Collection method: clinical testing. Allele origin: germline. Not counted in ClinVar's aggregate classification.
Comment: This variant is classified as likely benign based on ACMG/AMP sequence variant interpretation guidelines (Richards et al. 2015 PMID: 25741868, with internal and published modifications).